The following is an entry in ClinVar:

ClinVar aggregate classification (germline): Uncertain significance (1 of 4 stars; one submission).

Allele frequency attached by ClinVar (database versions not stated): gnomAD 0.00003; ExAC 0.00004; 1000 Genomes Project 30x 0.00016.

Submission:

CeGaT Center for Human Genetics Tuebingen
Classification: Uncertain significance. Last evaluated: 2023-06-01. Review status: criteria provided, single submitter. Criteria: CeGaT Center For Human Genetics Tuebingen Variant Classification Criteria Version 2. Collection method: clinical testing. Allele origin: germline. Affected: yes. Observed: 1 variant allele.
Comment: MIF: PM2

NM_002415.2(MIF):c.5C>G (p.Pro2Arg)

Genes: MIF (macrophage migration inhibitory factor; plus strand), MIF-AS1 (MIF antisense RNA 1; minus strand). Cytogenetic location: 22q11.23.
Variant type: single nucleotide variant.
Coding change: c.5C>G on transcript NM_002415.2 (MANE Select); coding-DNA position 5, C replaced by G.
Protein change: p.Pro2Arg; replaces proline 2 with arginine.
Molecular consequence: missense variant. On other transcripts: non-coding transcript variant (1).
Genome position (GRCh38, 1-based): chr22:23,894,479, C>G. VCF-style: chr22-23894479-C-G. GRCh37 (hg19) VCF-style: chr22-24236666-C-G.
Other names: short protein forms P2R.
Identifiers: ClinVar variation 2652976 (VCV002652976.24), dbSNP rs200500959, ClinGen allele CA10147328.